The following is an entry in ClinVar:

NM_015294.6(TRIM37):c.398C>T (p.Ala133Val)

Gene: TRIM37 (tripartite motif containing 37; minus strand). Cytogenetic location: 17q22.
Variant type: single nucleotide variant.
Coding change: c.398C>T on transcript NM_015294.6 (MANE Select); coding-DNA position 398, C replaced by T.
Protein change: p.Ala133Val; replaces alanine 133 with valine.
Molecular consequence: missense variant. On other transcripts: 5 prime UTR variant (2), non-coding transcript variant (2).
Genome position (GRCh38, 1-based): chr17:59,081,191, G>A on the plus strand (C>T on the coding strand, the complement: TRIM37 is on the minus strand). VCF-style: chr17-59081191-G-A. GRCh37 (hg19) VCF-style: chr17-57158552-G-A.
Other names: p.Ala133Val; c.398C>T, p.Ala133Val (NM_001005207.5, NM_001320988.3, NM_001320989.3 and 2 more transcripts); c.296C>T, p.Ala99Val (NM_001320987.3, NM_001353082.2); c.32C>T, p.Ala11Val (NM_001320990.3); c.-355C>T (NM_001353083.2); c.-65C>T (NM_001353085.2); short protein forms A133V, A11V, A99V.
Identifiers: ClinVar variation 198216 (VCV000198216.51), dbSNP rs61758100, ClinGen allele CA203316.

ClinVar aggregate classification (germline): Benign/Likely benign. Review status: criteria provided, multiple submitters, no conflicts (2 of 4 stars). 11 submissions from 11 submitters: Benign (4); Likely benign (5). 2 of the submissions do not count toward it. Last evaluated 2026-10-01.

Conditions:
Mulibrey nanism syndrome. Also called: MUSCLE-LIVER-BRAIN-EYE NANISM; PERHEENTUPA SYNDROME; PERICARDIAL CONSTRICTION AND GROWTH FAILURE. Identifiers: Orphanet 2576, MedGen C0524582, MONDO:0009664, OMIM 253250.

Allele frequency attached by ClinVar (database versions not stated): 1000 Genomes Project 30x 0.00187; 1000 Genomes Project 0.00200; TOPMed 0.00562; ESP Exome Variant Server 0.00692.
gnomAD v4.1: 13,035 of 1,613,754 alleles (0.81%); highest among the groups gnomAD compares: Non-Finnish European, 0.98%; 73 homozygotes.

Submissions (11):

CeGaT Center for Human Genetics Tuebingen
Classification: Likely benign. Last evaluated: 2026-10-01. Review status: criteria provided, single submitter. Criteria: CeGaT Center For Human Genetics Tuebingen Variant Classification Criteria Version 2. Collection method: clinical testing. Allele origin: germline. Affected: yes. Observed: 7 variant alleles.
Comment: TRIM37: BS2

Labcorp Genetics (formerly Invitae), Labcorp
Classification: Benign. Last evaluated: 2026-02-02. Review status: criteria provided, single submitter. Criteria: Invitae Variant Classification Sherloc (09022015). Collection method: clinical testing. Allele origin: germline.

Blueprint Genetics
Classification: Likely benign. Last evaluated: 2024-11-28. Review status: criteria provided, single submitter. Criteria: ACMG Guidelines, 2015. Collection method: clinical testing. Allele origin: germline.

Mayo Clinic Laboratories, Mayo Clinic
Classification: Benign. Last evaluated: 2022-02-24. Review status: criteria provided, single submitter. Criteria: ACMG Guidelines, 2015. Collection method: clinical testing. Allele origin: germline. Observed: 5 variant alleles.
Comment: BS1, BS2, BP4

GeneDx
Classification: Likely benign. Last evaluated: 2018-11-15. Review status: criteria provided, single submitter. Criteria: GeneDx Variant Classification Process June 2021. Collection method: clinical testing. Allele origin: germline. Affected: yes.

Center for Pediatric Genomic Medicine, Children's Mercy Hospital and Clinics
Classification: Likely benign. Last evaluated: 2017-08-24. Review status: criteria provided, single submitter. Criteria: ACMG Guidelines, 2015. Collection method: clinical testing. Allele origin: germline.

Illumina Laboratory Services, Illumina
Classification: Benign for Mulibrey nanism syndrome. Last evaluated: 2017-04-27. Review status: criteria provided, single submitter. Criteria: ICSL Variant Classification Criteria 13 December 2019. Collection method: clinical testing. Allele origin: germline.
Comment: This variant was observed as part of a predisposition screen in an ostensibly healthy population. A literature search was performed for the gene, cDNA change, and amino acid change (where applicable). No publications were found based on this search. Allele frequency data from public databases was too high to be consistent with this variant causing disease. Therefore, this variant is classified as benign.

Eurofins Ntd Llc (ga)
Classification: Benign. Last evaluated: 2014-06-16. Review status: criteria provided, single submitter. Criteria: EGL Classification Definitions 2015. Collection method: clinical testing. Allele origin: germline. Observed: 1 variant allele, 1 heterozygote.

Breakthrough Genomics
Classification: Likely benign. Review status: criteria provided, single submitter. Criteria: ACMG Guidelines, 2015. Collection method: not provided. Allele origin: germline. Inheritance: Autosomal recessive inheritance. Affected: yes.

Genome Diagnostics Laboratory, Amsterdam University Medical Center
Classification: Benign. Review status: no assertion criteria provided. Collection method: clinical testing. Allele origin: germline. Affected: yes. Study: VKGL Data-share Consensus. Not counted in ClinVar's aggregate classification.

Laboratory of Diagnostic Genome Analysis, Leiden University Medical Center (LUMC)
Classification: Likely benign. Review status: no assertion criteria provided. Collection method: clinical testing. Allele origin: germline. Affected: yes. Study: VKGL Data-share Consensus. Not counted in ClinVar's aggregate classification.